The following is an entry in ClinVar:

ClinVar aggregate classification (germline): Uncertain significance (1 of 4 stars; one submission).

Allele frequency attached by ClinVar (database versions not stated): gnomAD exomes below 0.00001.
gnomAD v4.1: 1 of 1,614,162 alleles (0.000062%); highest among the groups gnomAD compares: Non-Finnish European, 0.000085%; no homozygotes.

Submission:

Labcorp Genetics (formerly Invitae), Labcorp
Classification: Uncertain significance. Last evaluated: 2022-06-13. Review status: criteria provided, single submitter. Criteria: Invitae Variant Classification Sherloc (09022015). Collection method: clinical testing. Allele origin: germline.
Comment: In summary, the available evidence is currently insufficient to determine the role of this variant in disease. Therefore, it has been classified as a Variant of Uncertain Significance. Algorithms developed to predict the effect of missense changes on protein structure and function are either unavailable or do not agree on the potential impact of this missense change (SIFT: "Deleterious"; PolyPhen-2: "Not Available"; Align-GVGD: "Class C0"). This variant has not been reported in the literature in individuals affected with PTPN23-related conditions. This variant is not present in population databases (gnomAD no frequency). This sequence change replaces methionine, which is neutral and non-polar, with threonine, which is neutral and polar, at codon 566 of the PTPN23 protein (p.Met566Thr).

NM_015466.4(PTPN23):c.1697T>C (p.Met566Thr)

Gene: PTPN23 (protein tyrosine phosphatase non-receptor type 23; plus strand). Cytogenetic location: 3p21.31.
Variant type: single nucleotide variant.
Coding change: c.1697T>C on transcript NM_015466.4 (MANE Select); coding-DNA position 1697, T replaced by C.
Protein change: p.Met566Thr; replaces methionine 566 with threonine.
Molecular consequence: missense variant.
Genome position (GRCh38, 1-based): chr3:47,409,217, T>C. VCF-style: chr3-47409217-T-C. GRCh37 (hg19) VCF-style: chr3-47450707-T-C.
Other names: c.1319T>C, p.Met440Thr (NM_001304482.2); short protein forms M440T, M566T.
Identifiers: ClinVar variation 1484060 (VCV001484060.6), dbSNP rs2107719884, ClinGen allele CA352554687.